The following is an entry in ClinVar:

NM_002230.4(JUP):c.817A>T (p.Met273Leu)

Gene: JUP (junction plakoglobin; minus strand). Cytogenetic location: 17q21.2.
Variant type: single nucleotide variant.
Coding change: c.817A>T on transcript NM_002230.4 (MANE Select); coding-DNA position 817, A replaced by T.
Protein change: p.Met273Leu; replaces methionine 273 with leucine.
Molecular consequence: missense variant.
Genome position (GRCh38, 1-based): chr17:41,767,471, T>A on the plus strand (A>T on the coding strand, the complement: JUP is on the minus strand). VCF-style: chr17-41767471-T-A. GRCh37 (hg19) VCF-style: chr17-39923723-T-A.
Other names: c.817A>T, p.Met273Leu (NM_001352773.2, NM_001352774.2, NM_001352775.2 and 3 more transcripts); short protein forms M273L.
Identifiers: ClinVar variation 1487798 (VCV001487798.6), dbSNP rs2143650846, ClinGen allele CA399501070.

ClinVar aggregate classification (germline): Uncertain significance (1 of 4 stars; one submission).

Conditions:
Naxos disease (NXD). Also called: PALMOPLANTAR KERATODERMA WITH ARRHYTHMOGENIC RIGHT VENTRICULAR CARDIOMYOPATHY AND WOOLLY HAIR; WOOLLY HAIR, PALMOPLANTAR KERATODERMA, AND CARDIAC ABNORMALITIES; KERATOSIS PALMOPLANTARIS WITH ARRHYTHMOGENIC CARDIOMYOPATHY; MAL DE NAXOS; CARDIOMYOPATHY, ARRHYTHMOGENIC RIGHT VENTRICULAR, WITH SKIN, HAIR, AND NAIL ABNORMALITIES. Identifiers: Orphanet 34217, MedGen C1832600, MONDO:0011017, OMIM 601214.
Arrhythmogenic right ventricular dysplasia 12. Also called: ARRHYTHMOGENIC RIGHT VENTRICULAR DYSPLASIA, FAMILIAL, 12. Identifiers: MedGen C1969081, MONDO:0012684, OMIM 611528.

Allele frequency attached by ClinVar (database versions not stated): gnomAD exomes 0.00001.
gnomAD v4.1: 7 of 1,614,074 alleles (0.00043%); highest among the groups gnomAD compares: Non-Finnish European, 0.00059%; no homozygotes.

Submission:

Labcorp Genetics (formerly Invitae), Labcorp
Classification: Uncertain significance for Arrhythmogenic right ventricular dysplasia 12; Naxos disease. Last evaluated: 2025-05-24. Review status: criteria provided, single submitter. Criteria: Invitae Variant Classification Sherloc (09022015). Collection method: clinical testing. Allele origin: germline.
Comment: This sequence change replaces methionine, which is neutral and non-polar, with leucine, which is neutral and non-polar, at codon 273 of the JUP protein (p.Met273Leu). This variant is not present in population databases (gnomAD no frequency). This variant has not been reported in the literature in individuals affected with JUP-related conditions. ClinVar contains an entry for this variant (Variation ID: 1487798). An algorithm developed to predict the effect of missense changes on protein structure and function (PolyPhen-2) suggests that this variant is likely to be tolerated. In summary, the available evidence is currently insufficient to determine the role of this variant in disease. Therefore, it has been classified as a Variant of Uncertain Significance.